The following is an entry in ClinVar:

NM_000186.4(CFH):c.2697T>A (p.Tyr899Ter)

Gene: CFH (complement factor H; plus strand). Cytogenetic location: 1q31.3.
Variant type: single nucleotide variant.
Coding change: c.2697T>A on transcript NM_000186.4 (MANE Select); coding-DNA position 2697, T replaced by A.
Protein change: p.Tyr899Ter; replaces tyrosine 899 with a stop codon.
Molecular consequence: nonsense.
Genome position (GRCh38, 1-based): chr1:196,737,575, T>A. VCF-style: chr1-196737575-T-A. GRCh37 (hg19) VCF-style: chr1-196706705-T-A.
Other names: short protein forms Y899*.
Identifiers: ClinVar variation 16553 (VCV000016553.7), dbSNP rs121913057, ClinGen allele CA257510.
Genomic context (GRCh38, chr1:196,737,575, plus strand): 5'-AACCATTAATTCATCCAGGTCTTCACAAGAAAGTTATGCACATGGGACTAAATTGAGTTA[T>A]ACTTGTGAGGGTGGTTTCAGGATATCTGAAGAAAATGAAACAACATGCTACATGGGAAAA-3'

ClinVar aggregate classification (germline): Pathogenic. Review status: criteria provided, single submitter (1 of 4 stars). 3 submissions from 3 submitters: Pathogenic (1). 2 of the submissions do not count toward it. Last evaluated 2025-10-02.

Conditions:
Atypical hemolytic-uremic syndrome. Identifiers: Orphanet 2134, MedGen C2931788, MONDO:0016244.
Hemolytic uremic syndrome, atypical, susceptibility to, 1. Also called: AHUS, SUSCEPTIBILITY TO, 1. Identifiers: Orphanet 2134, Orphanet 90038, MedGen C2749604, MONDO:0009335, OMIM 235400. Disease mechanism: Other.

Submissions (3):

Genomenon, Inc
Classification: Pathogenic for Atypical hemolytic-uremic syndrome. Last evaluated: 2025-10-02. Review status: criteria provided, single submitter. Criteria: Genomenon Sequence Variant Interpretation Standards - Updated. Collection method: curation. Allele origin: germline. Affected: yes.
Comment: CFH p.Tyr899Ter (c.2697T>A) is a nonsense variant that introduces a premature stop codon at amino acid position 899, creating a truncated protein that is predicted to undergo nonsense-mediated mRNA decay. This variant has been observed in at least one proband affected with atypical hemolytic uremic syndrome (PMID:14978182;15685522). The variant was found to segregate with disease in at least one affected family (PMID:14978182). It is absent or not present at a significant frequency in gnomAD. In conclusion, we classify CFH p.Tyr899Ter (c.2697T>A) as a pathogenic variant.

Bioscientia Institut fuer Medizinische Diagnostik GmbH, Sonic Healthcare
Classification: Pathogenic for Hemolytic uremic syndrome, atypical, susceptibility to, 1. Last evaluated: 2019-04-26. Review status: no assertion criteria provided. Collection method: clinical testing. Allele origin: germline. Affected: yes. Not counted in ClinVar's aggregate classification.

OMIM
Classification: risk factor for HEMOLYTIC UREMIC SYNDROME, ATYPICAL, SUSCEPTIBILITY TO, 1. Last evaluated: 2004-03-01. Review status: no assertion criteria provided. Collection method: literature only. Allele origin: germline. Not counted in ClinVar's aggregate classification.

Literature cited by the submitters: PubMed 14978182 (cited by Genomenon, Inc and OMIM); PubMed 15685522 (cited by Genomenon, Inc); PubMed 9848786 (cited by OMIM).